The following is an entry in ClinVar:

NM_004991.4(MECOM):c.2027C>T (p.Thr676Ile)

Gene: MECOM (MDS1 and EVI1 complex locus; minus strand). Cytogenetic location: 3q26.2.
Variant type: single nucleotide variant.
Coding change: c.2027C>T on transcript NM_004991.4 (MANE Select); coding-DNA position 2027, C replaced by T.
Protein change: p.Thr676Ile; replaces threonine 676 with isoleucine.
Molecular consequence: missense variant. On other transcripts: intron variant (2).
Genome position (GRCh38, 1-based): chr3:169,115,845, G>A on the plus strand (C>T on the coding strand, the complement: MECOM is on the minus strand). VCF-style: chr3-169115845-G-A. GRCh37 (hg19) VCF-style: chr3-168833633-G-A.
Other names: c.1658C>T, p.Thr553Ile (NM_001105077.4); c.1463C>T, p.Thr488Ile (NM_001105078.4, NM_001164000.2, NM_001205194.2 and 4 more transcripts); c.1466C>T, p.Thr489Ile (NM_001163999.2, NM_001366467.2, NM_001366468.2 and 1 more transcripts); c.2027C>T, p.Thr676Ile (NM_001366466.2); c.1133-78C>T (NM_001366473.2); c.569-78C>T (NM_001366474.2); short protein forms T488I, T676I, T489I, T553I.
Identifiers: ClinVar variation 4053110 (VCV004053110.1).

ClinVar aggregate classification (germline): Uncertain significance (1 of 4 stars; one submission).

Conditions:
Inborn genetic diseases. Identifiers: MedGen C0950123, MeSH D030342.

Submission:

Ambry Genetics
Classification: Uncertain significance for Inborn genetic diseases. Last evaluated: 2025-03-28. Review status: criteria provided, single submitter. Criteria: Ambry Variant Classification Scheme 2023. Collection method: clinical testing. Allele origin: germline.
Comment: The p.T676I variant (also known as c.2027C>T), located in coding exon 8 of the MECOM gene, results from a C to T substitution at nucleotide position 2027. The threonine at codon 676 is replaced by isoleucine, an amino acid with similar properties. This amino acid position is conserved. In addition, this alteration is predicted to be tolerated by in silico analysis. Based on the available evidence, the clinical significance of this variant remains unclear.